The following is an entry in ClinVar:

ClinVar aggregate classification (germline): Likely benign. Review status: criteria provided, single submitter (1 of 4 stars). 2 submissions from 2 submitters: Likely benign (1). 1 of the submissions does not count toward it. Last evaluated 2022-05-01.

Conditions:
PKD1-related disorder. Also called: PKD1-related condition.

Allele frequency attached by ClinVar (database versions not stated): gnomAD 0.00004; TOPMed 0.00005; ExAC 0.00007.
gnomAD v4.1: 57 of 1,607,798 alleles (0.0035%); highest among the groups gnomAD compares: Admixed American, 0.013%; no homozygotes.

Submissions (2):

CeGaT Center for Human Genetics Tuebingen
Classification: Likely benign. Last evaluated: 2022-05-01. Review status: criteria provided, single submitter. Criteria: CeGaT Center For Human Genetics Tuebingen Variant Classification Criteria Version 2. Collection method: clinical testing. Allele origin: germline. Affected: yes. Observed: 1 variant allele.
Comment: PKD1: BP4, BP7

PreventionGenetics, part of Exact Sciences
Classification: Likely benign for PKD1-related condition. Last evaluated: 2019-05-21. Review status: no assertion criteria provided. Collection method: clinical testing. Allele origin: germline. Not counted in ClinVar's aggregate classification.
Comment: This variant is classified as likely benign based on ACMG/AMP sequence variant interpretation guidelines (Richards et al. 2015 PMID: 25741868, with internal and published modifications).

NM_001009944.3(PKD1):c.6123C>T (p.Arg2041=)

Gene: PKD1 (polycystin 1, transient receptor potential channel interacting; minus strand). Cytogenetic location: 16p13.3.
Variant type: single nucleotide variant.
Coding change: c.6123C>T on transcript NM_001009944.3 (MANE Select); coding-DNA position 6123, C replaced by T.
Protein change: p.Arg2041=; no amino-acid change (arginine 2041 retained).
Molecular consequence: synonymous variant.
Genome position (GRCh38, 1-based): chr16:2,109,044, G>A on the plus strand (C>T on the coding strand, the complement: PKD1 is on the minus strand). VCF-style: chr16-2109044-G-A. GRCh37 (hg19) VCF-style: chr16-2159045-G-A.
Other names: c.6123C>T, p.Arg2041= (NM_000296.4).
Identifiers: ClinVar variation 2646013 (VCV002646013.25), dbSNP rs764087505, ClinGen allele CA7831713.